The following is an entry in ClinVar:

NM_003079.5(SMARCE1):c.1186G>C (p.Val396Leu)

Gene: SMARCE1 (SWI/SNF related BAF chromatin remodeling complex subunit E1; minus strand). Cytogenetic location: 17q21.2.
Variant type: single nucleotide variant.
Coding change: c.1186G>C on transcript NM_003079.5 (MANE Select); coding-DNA position 1186, G replaced by C.
Protein change: p.Val396Leu; replaces valine 396 with leucine.
Molecular consequence: missense variant.
Genome position (GRCh38, 1-based): chr17:40,628,835, C>G on the plus strand (G>C on the coding strand, the complement: SMARCE1 is on the minus strand). VCF-style: chr17-40628835-C-G. GRCh37 (hg19) VCF-style: chr17-38785087-C-G.
Other names: short protein forms V396L.
Identifiers: ClinVar variation 1303723 (VCV001303723.10), dbSNP rs767236696, ClinGen allele CA399360942.

ClinVar aggregate classification (germline): Conflicting classifications of pathogenicity. Review status: criteria provided, conflicting classifications (1 of 4 stars). 3 submissions from 3 submitters: Uncertain significance (2); Likely benign (1). Last evaluated 2025-07-14.

Conditions:
Hereditary cancer-predisposing syndrome. Also called: Tumor predisposition; Neoplastic Syndromes, Hereditary; Hereditary Cancer Syndrome; Hereditary neoplastic syndrome. Identifiers: Orphanet 140162, MedGen C0027672, MeSH D009386, MONDO:0015356.
Familial meningioma. Also called: Meningioma, familial, susceptibility to. Identifiers: Orphanet 263662, MedGen C3551915, MONDO:0011789, OMIM 607174.

Submissions (3):

Labcorp Genetics (formerly Invitae), Labcorp
Classification: Uncertain significance for Familial meningioma. Last evaluated: 2025-07-14. Review status: criteria provided, single submitter. Criteria: Invitae Variant Classification Sherloc (09022015). Collection method: clinical testing. Allele origin: germline.
Comment: This sequence change replaces valine, which is neutral and non-polar, with leucine, which is neutral and non-polar, at codon 396 of the SMARCE1 protein (p.Val396Leu). This variant is not present in population databases (gnomAD no frequency). This variant has not been reported in the literature in individuals affected with SMARCE1-related conditions. ClinVar contains an entry for this variant (Variation ID: 1303723). An algorithm developed to predict the effect of missense changes on protein structure and function (PolyPhen-2) suggests that this variant is likely to be tolerated. In summary, the available evidence is currently insufficient to determine the role of this variant in disease. Therefore, it has been classified as a Variant of Uncertain Significance.

Ambry Genetics
Classification: Likely benign for Hereditary cancer-predisposing syndrome. Last evaluated: 2024-01-16. Review status: criteria provided, single submitter. Criteria: Ambry Variant Classification Scheme 2023. Collection method: clinical testing. Allele origin: germline.

GeneDx
Classification: Uncertain significance. Last evaluated: 2020-02-06. Review status: criteria provided, single submitter. Criteria: GeneDx Variant Classification Process June 2021. Collection method: clinical testing. Allele origin: germline. Affected: yes.
Comment: Not observed in large population cohorts (Lek et al., 2016); In silico analysis, which includes protein predictors and evolutionary conservation, supports that this variant does not alter protein structure/function; Has not been previously published as pathogenic or benign to our knowledge